The following is an entry in ClinVar:

ClinVar aggregate classification (germline): Uncertain significance (1 of 4 stars; one submission).

Conditions:
Tatton-Brown-Rahman overgrowth syndrome. Also called: Tatton-Brown-Rahman syndrome; Tall stature-intellectual disability-facial dysmorphism syndrome. Identifiers: Orphanet 404443, MedGen C4014545, MONDO:0014382, OMIM 615879.

Submission:

Labcorp Genetics (formerly Invitae), Labcorp
Classification: Uncertain significance for Tatton-Brown-Rahman overgrowth syndrome. Last evaluated: 2025-09-22. Review status: criteria provided, single submitter. Criteria: Invitae Variant Classification Sherloc (09022015). Collection method: clinical testing. Allele origin: germline.
Comment: This sequence change replaces glutamine, which is neutral and polar, with glutamic acid, which is acidic and polar, at codon 816 of the DNMT3A protein (p.Gln816Glu). This variant is not present in population databases (gnomAD no frequency). This variant has not been reported in the literature in individuals affected with DNMT3A-related conditions. ClinVar contains an entry for this variant (Variation ID: 2766464). Invitae Evidence Modeling of protein sequence and biophysical properties (such as structural, functional, and spatial information, amino acid conservation, physicochemical variation, residue mobility, and thermodynamic stability) has been performed for this missense variant. However, the output from this modeling did not meet the statistical confidence thresholds required to predict the impact of this variant on DNMT3A protein function. In summary, the available evidence is currently insufficient to determine the role of this variant in disease. Therefore, it has been classified as a Variant of Uncertain Significance.

NM_022552.5(DNMT3A):c.2446C>G (p.Gln816Glu)

Gene: DNMT3A (DNA methyltransferase 3 alpha; minus strand). Cytogenetic location: 2p23.3.
Variant type: single nucleotide variant.
Coding change: c.2446C>G on transcript NM_022552.5 (MANE Select); coding-DNA position 2446, C replaced by G.
Protein change: p.Gln816Glu; replaces glutamine 816 with glutamic acid.
Molecular consequence: missense variant. On other transcripts: non-coding transcript variant (1).
Genome position (GRCh38, 1-based): chr2:25,236,968, G>C on the plus strand (C>G on the coding strand, the complement: DNMT3A is on the minus strand). VCF-style: chr2-25236968-G-C. GRCh37 (hg19) VCF-style: chr2-25459837-G-C.
Other names: c.1990C>G, p.Gln664Glu (NM_001320893.1); c.1777C>G, p.Gln593Glu (NM_001375819.1); c.1879C>G, p.Gln627Glu (NM_153759.3); c.2446C>G, p.Gln816Glu (NM_175629.2); short protein forms Q627E, Q816E, Q593E, Q664E.
Identifiers: ClinVar variation 2766464 (VCV002766464.3), dbSNP rs759187608, ClinGen allele CA346068953.